The following is an entry in ClinVar:

ClinVar aggregate classification (germline): Benign (1 of 4 stars; one submission).

Conditions:
Pitt-Hopkins-like syndrome 2 (PTHSL2). Identifiers: Orphanet 221150, Orphanet 600663, MedGen C3280479, MONDO:0013690, OMIM 614325.

Allele frequency attached by ClinVar (database versions not stated): 1000 Genomes Project 30x 0.00984; 1000 Genomes Project 0.01078; gnomAD exomes 0.01136; TOPMed 0.01427; gnomAD 0.01480 and 0.01514.

Submission:

Illumina Laboratory Services, Illumina
Classification: Benign for Pitt-Hopkins-like syndrome 2. Last evaluated: 2018-01-13. Review status: criteria provided, single submitter. Criteria: ICSL Variant Classification Criteria 13 December 2019. Collection method: clinical testing. Allele origin: germline.
Comment: This variant was observed in the ICSL laboratory as part of a predisposition screen in an ostensibly healthy population. It had not been previously curated by ICSL or reported in the Human Gene Mutation Database (HGMD: prior to June 1st, 2018), and was therefore a candidate for classification through an automated scoring system. Utilizing variant allele frequency, disease prevalence and penetrance estimates, and inheritance mode, an automated score was calculated to assess if this variant is too frequent to cause the disease. Based on the score and internal cut-off values, a variant classified as benign is not then subjected to further curation. The score for this variant resulted in a classification of benign for this disease.

NM_001330078.2(NRXN1):c.*1692T>C

Gene: NRXN1 (neurexin 1; minus strand). Cytogenetic location: 2p16.3.
Variant type: single nucleotide variant.
Coding change: c.*1692T>C on transcript NM_001330078.2 (MANE Select); 1692 bases downstream of the stop codon, T replaced by C.
Molecular consequence: 3 prime UTR variant.
Genome position (GRCh38, 1-based): chr2:49,920,252, A>G on the plus strand (T>C on the coding strand, the complement: NRXN1 is on the minus strand). VCF-style: chr2-49920252-A-G. GRCh37 (hg19) VCF-style: chr2-50147390-A-G.
Other names: c.*1692T>C (NM_001135659.3, NM_001320156.4, NM_001320157.4 and 17 more transcripts).
Identifiers: ClinVar variation 897900 (VCV000897900.4), dbSNP rs77838429, ClinGen allele CA47800735.